The following is an entry in ClinVar:

ClinVar aggregate classification (germline): Likely benign (1 of 4 stars; one submission).

Conditions:
LRIG1-related disorder. Also called: LRIG1-related condition.

Submission:

PreventionGenetics, part of Exact Sciences
Classification: Likely benign for LRIG1-related condition. Last evaluated: 2025-01-09. Review status: criteria provided, single submitter. Criteria: ACMG Guidelines, 2015. Collection method: clinical testing. Allele origin: germline.
Comment: This variant is classified as likely benign based on ACMG/AMP sequence variant interpretation guidelines (Richards et al. 2015 PMID: 25741868, with internal and published modifications).

NM_015541.3(LRIG1):c.649G>A (p.Asp217Asn)

Gene: LRIG1 (leucine rich repeats and immunoglobulin like domains 1; minus strand). Cytogenetic location: 3p14.1.
Variant type: single nucleotide variant.
Coding change: c.649G>A on transcript NM_015541.3 (MANE Select); coding-DNA position 649, G replaced by A.
Protein change: p.Asp217Asn; replaces aspartic acid 217 with asparagine.
Molecular consequence: missense variant. On other transcripts: 5 prime UTR variant (2).
Genome position (GRCh38, 1-based): chr3:66,413,013, C>T on the plus strand (G>A on the coding strand, the complement: LRIG1 is on the minus strand). VCF-style: chr3-66413013-C-T. GRCh37 (hg19) VCF-style: chr3-66463437-C-T.
Other names: c.574G>A, p.Asp192Asn (NM_001377344.1); c.-132G>A (NM_001377345.1, NM_001377346.1); short protein forms D192N, D217N.
Identifiers: ClinVar variation 4981282 (VCV004981282.1).